The following is an entry in ClinVar:

ClinVar aggregate classification (germline): Pathogenic. Review status: criteria provided, multiple submitters, no conflicts (2 of 4 stars). 5 submissions from 5 submitters: Pathogenic (4). 1 of the submissions does not count toward it. Last evaluated 2026-01-08.

Conditions:
3-methylglutaconic aciduria type 1 (MGCA1). Identifiers: Orphanet 67046, MedGen C0342727, MONDO:0009610, OMIM 250950.

Allele frequency attached by ClinVar (database versions not stated): gnomAD exomes 0.00001; TOPMed 0.00003; gnomAD 0.00003 and 0.00004; 1000 Genomes Project 30x 0.00016; 1000 Genomes Project 0.00020.
gnomAD v4.1: 20 of 1,605,018 alleles (0.0012%); highest among the groups gnomAD compares: Admixed American, 0.0033%; no homozygotes.

Submissions (5):

Labcorp Genetics (formerly Invitae), Labcorp
Classification: Pathogenic for 3-methylglutaconic aciduria type 1. Last evaluated: 2026-01-08. Review status: criteria provided, single submitter. Criteria: Invitae Variant Classification Sherloc (09022015). Collection method: clinical testing. Allele origin: germline.
Comment: This sequence change creates a premature translational stop signal (p.Arg197*) in the AUH gene. It is expected to result in an absent or disrupted protein product. Loss-of-function variants in AUH are known to be pathogenic (PMID: 12655555, 20882351). This variant is present in population databases (rs121434636, gnomAD 0.003%). This premature translational stop signal has been observed in individuals with 3-methylglutaconic aciduria (PMID: 12434311, 12655555). ClinVar contains an entry for this variant (Variation ID: 9056). For these reasons, this variant has been classified as Pathogenic.

Women's Health and Genetics/Laboratory Corporation of America, LabCorp
Classification: Pathogenic for 3-methylglutaconic aciduria type 1. Last evaluated: 2024-10-22. Review status: criteria provided, single submitter. Criteria: LabCorp Variant Classification Summary - May 2015. Collection method: clinical testing. Allele origin: germline.
Comment: Variant summary: AUH c.589C>T (p.Arg197X) results in a premature termination codon, predicted to cause a truncation of the encoded protein or absence of the protein due to nonsense mediated decay, which are commonly known mechanisms for disease. The variant allele was found at a frequency of 1.2e-05 in 251242 control chromosomes. c.589C>T has been reported in the literature in individuals affected with 3-Methylglutaconic Aciduria Type 1 (example: NgaLy_HM_2003). These data indicate that the variant is likely to be associated with disease. The following publication has been ascertained in the context of this evaluation (PMID: 12655555). ClinVar contains an entry for this variant (Variation ID: 9056). Based on the evidence outlined above, the variant was classified as pathogenic.

GeneDx
Classification: Pathogenic. Last evaluated: 2023-03-22. Review status: criteria provided, single submitter. Criteria: GeneDx Variant Classification Process June 2021. Collection method: clinical testing. Allele origin: germline. Affected: yes.
Comment: Nonsense variant predicted to result in protein truncation or nonsense mediated decay in a gene for which loss of function is a known mechanism of disease; Not observed at significant frequency in large population cohorts (gnomAD); This variant is associated with the following publications: (PMID: 31589614, 25525159, 6181239, 35457240, 12434311, 12655555, 3082934)

Fulgent Genetics
Classification: Pathogenic for 3-methylglutaconic aciduria type 1. Last evaluated: 2022-03-04. Review status: criteria provided, single submitter. Criteria: ACMG Guidelines, 2015. Collection method: clinical testing. Allele origin: unknown.

OMIM
Classification: Pathogenic for 3-METHYLGLUTACONIC ACIDURIA, TYPE I. Last evaluated: 2003-04-01. Review status: no assertion criteria provided. Collection method: literature only. Allele origin: germline. Not counted in ClinVar's aggregate classification.

Literature cited by the submitters: PubMed 12655555 (cited by 3 submitters); PubMed 20882351 (cited by Labcorp Genetics (formerly Invitae), Labcorp); PubMed 12434311 (cited by Labcorp Genetics (formerly Invitae), Labcorp and OMIM); PubMed 6181239 (cited by OMIM).

NM_001698.3(AUH):c.589C>T (p.Arg197Ter)

Gene: AUH (AU RNA binding methylglutaconyl-CoA hydratase; minus strand). Cytogenetic location: 9q22.31.
Variant type: single nucleotide variant.
Coding change: c.589C>T on transcript NM_001698.3 (MANE Select); coding-DNA position 589, C replaced by T.
Protein change: p.Arg197Ter; replaces arginine 197 with a stop codon.
Molecular consequence: nonsense.
Genome position (GRCh38, 1-based): chr9:91,297,993, G>A on the plus strand (C>T on the coding strand, the complement: AUH is on the minus strand). VCF-style: chr9-91297993-G-A. GRCh37 (hg19) VCF-style: chr9-94060275-G-A.
Other names: c.502C>T, p.Arg168Ter (NM_001306190.2); c.262C>T, p.Arg88Ter (NM_001351431.2, NM_001351432.2, NM_001351433.2); short protein forms R197*, R168*, R88*.
Identifiers: ClinVar variation 9056 (VCV000009056.14), dbSNP rs121434636, ClinGen allele CA120085.